The following is an entry in ClinVar:

NM_006514.4(SCN10A):c.117G>C (p.Glu39Asp)

Gene: SCN10A (sodium voltage-gated channel alpha subunit 10; minus strand). Cytogenetic location: 3p22.2.
Variant type: single nucleotide variant.
Coding change: c.117G>C on transcript NM_006514.4 (MANE Select); coding-DNA position 117, G replaced by C.
Protein change: p.Glu39Asp; replaces glutamic acid 39 with aspartic acid.
Molecular consequence: missense variant.
Genome position (GRCh38, 1-based): chr3:38,793,894, C>G on the plus strand (G>C on the coding strand, the complement: SCN10A is on the minus strand). VCF-style: chr3-38793894-C-G. GRCh37 (hg19) VCF-style: chr3-38835385-C-G.
Other names: c.117G>C, p.Glu39Asp (NM_001293306.2, NM_001293307.2); short protein forms E39D.
Identifiers: ClinVar variation 2964152 (VCV002964152.3), dbSNP rs2470901527, ClinGen allele CA352163104.

ClinVar aggregate classification (germline): Uncertain significance (1 of 4 stars; one submission).

Conditions:
Brugada syndrome. Also called: Sudden unexpected nocturnal death syndrome; Sudden unexplained nocturnal death syndrome; Sudden Unexplained Death Syndrome; Sudden Unexplained Nocturnal Death Syndrome (SUNDS). Identifiers: Orphanet 130, MedGen C1142166, MONDO:0015263.

Submission:

Labcorp Genetics (formerly Invitae), Labcorp
Classification: Uncertain significance for Brugada syndrome. Last evaluated: 2023-02-21. Review status: criteria provided, single submitter. Criteria: Invitae Variant Classification Sherloc (09022015). Collection method: clinical testing. Allele origin: germline.
Comment: In summary, the available evidence is currently insufficient to determine the role of this variant in disease. Therefore, it has been classified as a Variant of Uncertain Significance. Advanced modeling of protein sequence and biophysical properties (such as structural, functional, and spatial information, amino acid conservation, physicochemical variation, residue mobility, and thermodynamic stability) performed at Invitae indicates that this missense variant is not expected to disrupt SCN10A protein function. This variant has not been reported in the literature in individuals affected with SCN10A-related conditions. This variant is not present in population databases (gnomAD no frequency). This sequence change replaces glutamic acid, which is acidic and polar, with aspartic acid, which is acidic and polar, at codon 39 of the SCN10A protein (p.Glu39Asp).